The following is an entry in ClinVar:

NM_015040.4(PIKFYVE):c.-134C>T

Genes: PIKFYVE (phosphoinositide kinase, FYVE-type zinc finger containing; plus strand), LOC129935518 (ATAC-STARR-seq lymphoblastoid silent region 12289; plus strand). Cytogenetic location: 2q34.
Variant type: single nucleotide variant.
Coding change: c.-134C>T on transcript NM_015040.4 (MANE Select); 134 bases upstream of the start codon, C replaced by T.
Molecular consequence: 5 prime UTR variant.
Genome position (GRCh38, 1-based): chr2:208,266,291, C>T. VCF-style: chr2-208266291-C-T. GRCh37 (hg19) VCF-style: chr2-209131015-C-T.
Other names: c.-134C>T (NM_001178000.2, NM_152671.4).
Identifiers: ClinVar variation 895357 (VCV000895357.4), dbSNP rs115543378, ClinGen allele CA16124874.

ClinVar aggregate classification (germline): Benign (1 of 4 stars; one submission).

Conditions:
Fleck corneal dystrophy (CFD). Also called: CORNEAL DYSTROPHY, FRANCOIS-NEETENS SPECKLED OR FLECKED. Identifiers: Orphanet 98970, MedGen C1562113, MONDO:0007376, OMIM 121850.

Allele frequency attached by ClinVar (database versions not stated): gnomAD 0.00504 and 0.00541; 1000 Genomes Project 30x 0.00547; TOPMed 0.00569; 1000 Genomes Project 0.00659.

Submission:

Illumina Laboratory Services, Illumina
Classification: Benign for Fleck corneal dystrophy. Last evaluated: 2018-01-13. Review status: criteria provided, single submitter. Criteria: ICSL Variant Classification Criteria 13 December 2019. Collection method: clinical testing. Allele origin: germline.
Comment: This variant was observed in the ICSL laboratory as part of a predisposition screen in an ostensibly healthy population. It had not been previously curated by ICSL or reported in the Human Gene Mutation Database (HGMD: prior to June 1st, 2018), and was therefore a candidate for classification through an automated scoring system. Utilizing variant allele frequency, disease prevalence and penetrance estimates, and inheritance mode, an automated score was calculated to assess if this variant is too frequent to cause the disease. Based on the score and internal cut-off values, a variant classified as benign is not then subjected to further curation. The score for this variant resulted in a classification of benign for this disease.